The following is an entry in ClinVar:

ClinVar aggregate classification (germline): Pathogenic (1 of 4 stars; one submission).

Submission:

Institute of Human Genetics, FAU Erlangen, Friedrich-Alexander-Universität Erlangen-Nürnberg
Classification: Pathogenic. Last evaluated: 2025-01-19. Review status: criteria provided, single submitter. Criteria: Hauer et al. (Genet Med. 2018). Collection method: clinical testing. Allele origin: germline. Inheritance: Unknown mechanism. Affected: yes. Observed: 1 variant allele.
Comment: This variant has been identified by standard clinical testing. Neurofibromatosis, type 1 Selected ACMG criteria: Pathogenic (I):PP4;PM2;PVS1

NM_014210.4(EVI2A):c.-4558_-4531dup

Genes: EVI2A (ecotropic viral integration site 2A; minus strand), NF1 (neurofibromin 1; plus strand). Cytogenetic location: 17q11.2.
Variant type: Duplication.
Coding change: c.-4558_-4531dup on transcript NM_014210.4 (MANE Select); 4558 bases upstream of the start codon through 4531 bases upstream of the start codon, 28 bases duplicated (GACCCAGGAGTTACAGTTATAGATATAG).
Molecular consequence: nonsense (on NM_001042492.3). On other transcripts: frameshift variant (1).
Genome position (GRCh38, 1-based): chr17:31,326,015-31,326,042, CTATATCTATAACTGTAACTCCTGGGTC duplicated on the plus strand (GACCCAGGAGTTACAGTTATAGATATAG on the coding strand, the reverse complement: EVI2A is on the minus strand). VCF-style (leftmost placement, unchanged base first): chr17-31326014-T-TCTATATCTATAACTGTAACTCCTGGGTC. GRCh37 (hg19) VCF-style: chr17-29653032-T-TCTATATCTATAACTGTAACTCCTGGGTC.
Other names: c.4968_4995dup, p.Arg1666Leufs (NM_000267.4); c.5031_5058dup, p.Arg1687delinsLeuTyrLeuTer (NM_001042492.3).
Identifiers: ClinVar variation 3573028 (VCV003573028.1).